The following is an entry in ClinVar:

NM_020655.4(JPH3):c.382+635C>T

Gene: JPH3 (junctophilin 3; plus strand). Cytogenetic location: 16q24.2.
Variant type: single nucleotide variant.
Coding change: c.382+635C>T on transcript NM_020655.4 (MANE Select); 635 bases into the intron after coding-DNA position 382, C replaced by T.
Molecular consequence: intron variant. On other transcripts: 3 prime UTR variant (1).
Genome position (GRCh38, 1-based): chr16:87,604,163, C>T. VCF-style: chr16-87604163-C-T. GRCh37 (hg19) VCF-style: chr16-87637769-C-T.
Other names: c.*4C>T (NM_001271605.3); c.383-77C>T (NM_001271604.4).
Identifiers: ClinVar variation 3030428 (VCV003030428.2), dbSNP rs2507483451, ClinGen allele CA2740093454.

ClinVar aggregate classification (germline): Likely benign (0 of 4 stars; one submission).

Conditions:
JPH3-related disorder. Also called: JPH3-related condition.

Submission:

PreventionGenetics, part of Exact Sciences
Classification: Likely benign for JPH3-related condition. Last evaluated: 2021-04-30. Review status: no assertion criteria provided. Collection method: clinical testing. Allele origin: germline.
Comment: This variant is classified as likely benign based on ACMG/AMP sequence variant interpretation guidelines (Richards et al. 2015 PMID: 25741868, with internal and published modifications).